The following is an entry in ClinVar:

NM_144670.6(A2ML1):c.504T>A (p.Ile168=)

Gene: A2ML1 (alpha-2-macroglobulin like 1; plus strand). Cytogenetic location: 12p13.31.
Variant type: single nucleotide variant.
Coding change: c.504T>A on transcript NM_144670.6 (MANE Select); coding-DNA position 504, T replaced by A.
Protein change: p.Ile168=; no amino-acid change (isoleucine 168 retained).
Molecular consequence: synonymous variant.
Genome position (GRCh38, 1-based): chr12:8,835,527, T>A. VCF-style: chr12-8835527-T-A. GRCh37 (hg19) VCF-style: chr12-8988123-T-A.
Identifiers: ClinVar variation 2720672 (VCV002720672.3), dbSNP rs918242341, ClinGen allele CA232669503.

ClinVar aggregate classification (germline): Uncertain significance (1 of 4 stars; one submission).

Allele frequency attached by ClinVar (database versions not stated): TOPMed 0.00001; gnomAD exomes below 0.00001.
gnomAD v4.1: 1 of 1,614,142 alleles (0.000062%); highest among the groups gnomAD compares: African/African-American, 0.0013%; no homozygotes.

Submission:

Labcorp Genetics (formerly Invitae), Labcorp
Classification: Uncertain significance. Last evaluated: 2026-01-14. Review status: criteria provided, single submitter. Criteria: Invitae Variant Classification Sherloc (09022015). Collection method: clinical testing. Allele origin: germline.
Comment: This sequence change affects codon 168 of the A2ML1 mRNA. It is a 'silent' change, meaning that it does not change the encoded amino acid sequence of the A2ML1 protein. This variant is present in population databases (no rsID available, gnomAD 0.007%). This variant has not been reported in the literature in individuals affected with A2ML1-related conditions. ClinVar contains an entry for this variant (Variation ID: 2720672). Algorithms developed to predict the effect of sequence changes on RNA splicing suggest that this variant may disrupt the consensus splice site. In summary, the available evidence is currently insufficient to determine the role of this variant in disease. Therefore, it has been classified as a Variant of Uncertain Significance.